The following is an entry in ClinVar:

ClinVar aggregate classification (germline): Likely benign. Review status: criteria provided, multiple submitters, no conflicts (2 of 4 stars). 2 submissions from 2 submitters: Likely benign (2). Last evaluated 2025-04-23.

Conditions:
Landau-Kleffner syndrome (FESD). Also called: EPILEPSY, FOCAL, WITH SPEECH DISORDER AND WITH OR WITHOUT MENTAL RETARDATION; APHASIA, ACQUIRED, WITH EPILEPSY. Identifiers: Orphanet 1945, Orphanet 725, Orphanet 98818, MedGen C0282512, MONDO:0009509, OMIM 245570.

Submissions (2):

Labcorp Genetics (formerly Invitae), Labcorp
Classification: Likely benign for Landau-Kleffner syndrome. Last evaluated: 2025-04-23. Review status: criteria provided, single submitter. Criteria: Invitae Variant Classification Sherloc (09022015). Collection method: clinical testing. Allele origin: germline.

CeGaT Center for Human Genetics Tuebingen
Classification: Likely benign. Last evaluated: 2023-01-01. Review status: criteria provided, single submitter. Criteria: CeGaT Center For Human Genetics Tuebingen Variant Classification Criteria Version 2. Collection method: clinical testing. Allele origin: germline. Affected: yes. Observed: 1 variant allele.
Comment: GRIN2A: BP4, BP7

NM_001134407.3(GRIN2A):c.1203G>T (p.Pro401=)

Gene: GRIN2A (glutamate ionotropic receptor NMDA type subunit 2A; minus strand). Cytogenetic location: 16p13.2.
Variant type: single nucleotide variant.
Coding change: c.1203G>T on transcript NM_001134407.3 (MANE Select); coding-DNA position 1203, G replaced by T.
Protein change: p.Pro401=; no amino-acid change (proline 401 retained).
Molecular consequence: synonymous variant.
Genome position (GRCh38, 1-based): chr16:9,849,881, C>A on the plus strand (G>T on the coding strand, the complement: GRIN2A is on the minus strand). VCF-style: chr16-9849881-C-A. GRCh37 (hg19) VCF-style: chr16-9943738-C-A.
Other names: c.1203G>T, p.Pro401= (NM_000833.5, NM_001134408.2).
Identifiers: ClinVar variation 1951045 (VCV001951045.33), dbSNP rs369027920, ClinGen allele CA7896784.